The following is an entry in ClinVar:

ClinVar aggregate classification (germline): Pathogenic (1 of 4 stars; one submission).

Submission:

Labcorp Genetics (formerly Invitae), Labcorp
Classification: Pathogenic. Last evaluated: 2024-10-26. Review status: criteria provided, single submitter. Criteria: Invitae Variant Classification Sherloc (09022015). Collection method: clinical testing. Allele origin: germline.
Comment: This sequence change creates a premature translational stop signal (p.Met130Serfs*17) in the LZTR1 gene. It is expected to result in an absent or disrupted protein product. Loss-of-function variants in LZTR1 are known to be pathogenic (PMID: 24362817, 25335493, 25480913, 25795793, 29469822, 30368668, 30442762, 30442766, 30481304, 30859559). This variant is not present in population databases (gnomAD no frequency). This variant has not been reported in the literature in individuals affected with LZTR1-related conditions. For these reasons, this variant has been classified as Pathogenic.

Literature cited by the submitters: PubMed 24362817; PubMed 25335493; PubMed 25480913; PubMed 25795793; PubMed 29469822; PubMed 30368668; PubMed 30442762; PubMed 30442766; PubMed 30481304; PubMed 30859559.

NM_006767.4(LZTR1):c.389del (p.Met130fs)

Gene: LZTR1 (leucine zipper like post translational regulator 1; plus strand). Cytogenetic location: 22q11.21.
Variant type: Deletion.
Coding change: c.389del on transcript NM_006767.4 (MANE Select); coding-DNA position 389, one base deleted (T; older notation c.389delT).
Protein change: p.Met130fs; shifts the reading frame from methionine 130.
Molecular consequence: frameshift variant.
Genome position (GRCh38, 1-based): chr22:20,987,572, T deleted. VCF-style (leftmost placement, unchanged base first): chr22-20987571-AT-A. GRCh37 (hg19) VCF-style: chr22-21341860-AT-A.
Other names: short protein forms M130fs.
Identifiers: ClinVar variation 3714463 (VCV003714463.2).